The following is an entry in ClinVar:

NM_177531.6(PKHD1L1):c.8197A>G (p.Ser2733Gly)

Gene: PKHD1L1 (PKHD1 like 1; plus strand). Cytogenetic location: 8q23.1.
Variant type: single nucleotide variant.
Coding change: c.8197A>G on transcript NM_177531.6 (MANE Select); coding-DNA position 8197, A replaced by G.
Protein change: p.Ser2733Gly; replaces serine 2733 with glycine.
Molecular consequence: missense variant.
Genome position (GRCh38, 1-based): chr8:109,465,029, A>G. VCF-style: chr8-109465029-A-G. GRCh37 (hg19) VCF-style: chr8-110477258-A-G.
Other names: short protein forms S2733G.
Identifiers: ClinVar variation 4861987 (VCV004861987.1).

ClinVar aggregate classification (germline): Uncertain significance (1 of 4 stars; one submission).

gnomAD v4.1: 3 of 1,613,712 alleles (0.00019%); highest among the groups gnomAD compares: African/African-American, 0.004%; no homozygotes.

Submission:

Ambry Genetics
Classification: Uncertain significance. Last evaluated: 2026-04-15. Review status: criteria provided, single submitter. Criteria: Ambry Variant Classification Scheme 2023. Collection method: clinical testing. Allele origin: germline.
Comment: The c.8197A>G (p.S2733G) alteration is located in exon 49 (coding exon 49) of the PKHD1L1 gene. This alteration results from a A to G substitution at nucleotide position 8197, causing the serine (S) at amino acid position 2733 to be replaced by a glycine (G). Based on data from gnomAD, the G allele has an overall frequency of 0.001% (2/249076) total alleles studied. The highest observed frequency was 0.013% (2/15482) of African alleles. Based on insufficient or conflicting evidence, the clinical significance of this alteration remains unclear.